The following is an entry in ClinVar:

NM_147127.5(EVC2):c.2938G>T (p.Glu980Ter)

Gene: EVC2 (EvC ciliary complex subunit 2; minus strand). Cytogenetic location: 4p16.2.
Variant type: single nucleotide variant.
Coding change: c.2938G>T on transcript NM_147127.5 (MANE Select); coding-DNA position 2938, G replaced by T.
Protein change: p.Glu980Ter; replaces glutamic acid 980 with a stop codon.
Molecular consequence: nonsense.
Genome position (GRCh38, 1-based): chr4:5,584,742, C>A on the plus strand (G>T on the coding strand, the complement: EVC2 is on the minus strand). VCF-style: chr4-5584742-C-A. GRCh37 (hg19) VCF-style: chr4-5586469-C-A.
Other names: c.2698G>T, p.Glu900Ter (NM_001166136.2); short protein forms E900*, E980*.
Identifiers: ClinVar variation 3760326 (VCV003760326.2).

ClinVar aggregate classification (germline): Pathogenic (1 of 4 stars; one submission).

Conditions:
Curry-Hall syndrome (WAD). Also called: WEYERS ACRODENTAL DYSOSTOSIS. Identifiers: Orphanet 952, MedGen C0457013, MONDO:0008673, OMIM 193530.
Ellis-van Creveld syndrome (EVC). Also called: EVC-Related Ellis-van Creveld Syndrome; EVC2-Related Ellis-van Creveld Syndrome; MESOECTODERMAL DYSPLASIA; Chondroectodermal dysplasia. Identifiers: Orphanet 289, MedGen C0013903, MONDO:0009162, OMIM 225500.

Submission:

Labcorp Genetics (formerly Invitae), Labcorp
Classification: Pathogenic for Curry-Hall syndrome; Ellis-van Creveld syndrome. Last evaluated: 2025-06-22. Review status: criteria provided, single submitter. Criteria: Invitae Variant Classification Sherloc (09022015). Collection method: clinical testing. Allele origin: germline.
Comment: This sequence change creates a premature translational stop signal (p.Glu980*) in the EVC2 gene. It is expected to result in an absent or disrupted protein product. Loss-of-function variants in EVC2 are known to be pathogenic (PMID: 17024374, 19810119, 19876929). This variant is not present in population databases (gnomAD no frequency). This variant has not been reported in the literature in individuals affected with EVC2-related conditions. ClinVar contains an entry for this variant (Variation ID: 3760326). For these reasons, this variant has been classified as Pathogenic.

Literature cited by the submitters: PubMed 17024374; PubMed 19810119; PubMed 19876929.